The following is an entry in ClinVar:

NM_001174150.2(ARL13B):c.1268C>T (p.Ala423Val)

Gene: ARL13B (ARF like GTPase 13B; plus strand). Cytogenetic location: 3q11.2.
Variant type: single nucleotide variant.
Coding change: c.1268C>T on transcript NM_001174150.2 (MANE Select); coding-DNA position 1268, C replaced by T.
Protein change: p.Ala423Val; replaces alanine 423 with valine.
Molecular consequence: missense variant. On other transcripts: non-coding transcript variant (2).
Genome position (GRCh38, 1-based): chr3:94,053,244, C>T. VCF-style: chr3-94053244-C-T. GRCh37 (hg19) VCF-style: chr3-93772088-C-T.
Other names: c.959C>T, p.Ala320Val (NM_001174151.2); c.1223C>T, p.Ala408Val (NM_001321328.2); c.1199C>T, p.Ala400Val (NM_001410782.1); c.947C>T, p.Ala316Val (NM_144996.4); c.1268C>T, p.Ala423Val (NM_182896.3); short protein forms A316V, A400V, A408V, A423V, A320V.
Identifiers: ClinVar variation 2154227 (VCV002154227.5), dbSNP rs2472161146, ClinGen allele CA353680041.

ClinVar aggregate classification (germline): Uncertain significance. Review status: criteria provided, multiple submitters, no conflicts (2 of 4 stars). 2 submissions from 2 submitters: Uncertain significance (2). Last evaluated 2024-03-06.

Conditions:
Joubert syndrome 8 (JBTS8). Identifiers: Orphanet 475, MedGen C2676771, MONDO:0012855, OMIM 612291.

Allele frequency attached by ClinVar (database versions not stated): gnomAD exomes below 0.00001.
gnomAD v4.1: 4 of 1,613,426 alleles (0.00025%); highest among the groups gnomAD compares: Non-Finnish European, 0.00034%; no homozygotes.

Submissions (2):

Fulgent Genetics
Classification: Uncertain significance for Joubert syndrome 8. Last evaluated: 2024-03-06. Review status: criteria provided, single submitter. Criteria: ACMG Guidelines, 2015. Collection method: clinical testing. Allele origin: germline.

Labcorp Genetics (formerly Invitae), Labcorp
Classification: Uncertain significance for Joubert syndrome 8. Last evaluated: 2022-02-08. Review status: criteria provided, single submitter. Criteria: Invitae Variant Classification Sherloc (09022015). Collection method: clinical testing. Allele origin: germline.
Comment: In summary, the available evidence is currently insufficient to determine the role of this variant in disease. Therefore, it has been classified as a Variant of Uncertain Significance. Algorithms developed to predict the effect of missense changes on protein structure and function output the following: SIFT: "Tolerated"; PolyPhen-2: "Benign"; Align-GVGD: "Class C0". The valine amino acid residue is found in multiple mammalian species, which suggests that this missense change does not adversely affect protein function. This variant has not been reported in the literature in individuals affected with ARL13B-related conditions. This variant is not present in population databases (gnomAD no frequency). This sequence change replaces alanine, which is neutral and non-polar, with valine, which is neutral and non-polar, at codon 423 of the ARL13B protein (p.Ala423Val).